The following is an entry in ClinVar:

NM_000019.4(ACAT1):c.968T>C (p.Ile323Thr)

Gene: ACAT1 (acetyl-CoA acetyltransferase 1; plus strand). Cytogenetic location: 11q22.3.
Variant type: single nucleotide variant.
Coding change: c.968T>C on transcript NM_000019.4 (MANE Select); coding-DNA position 968, T replaced by C.
Protein change: p.Ile323Thr; replaces isoleucine 323 with threonine.
Molecular consequence: missense variant.
Genome position (GRCh38, 1-based): chr11:108,144,010, T>C. VCF-style: chr11-108144010-T-C. GRCh37 (hg19) VCF-style: chr11-108014737-T-C.
Other names: short protein forms I323T.
Identifiers: ClinVar variation 666517 (VCV000666517.6), dbSNP rs755806238, ClinGen allele CA6263321.

ClinVar aggregate classification (germline): Conflicting classifications of pathogenicity. Review status: criteria provided, conflicting classifications (1 of 4 stars). 3 submissions from 3 submitters: Likely pathogenic (2); Uncertain significance (1). Last evaluated 2025-04-21.

Conditions:
Deficiency of acetyl-CoA acetyltransferase. Also called: MITOCHONDRIAL ACETOACETYL-CoA THIOLASE DEFICIENCY; Beta-ketothiolase deficiency; 3-KETOTHIOLASE DEFICIENCY; 3-OXOTHIOLASE DEFICIENCY. Identifiers: Orphanet 134, MedGen C1536500, MONDO:0008760, OMIM 203750. Disease mechanism: loss of function.

Allele frequency attached by ClinVar (database versions not stated): gnomAD 0.00001 and 0.00002; gnomAD exomes 0.00001 and 0.00002; ExAC 0.00003.
gnomAD v4.1: 20 of 1,353,782 alleles (0.0015%); highest among the groups gnomAD compares: Admixed American, 0.0077%; no homozygotes.

Submissions (3):

Natera, Inc.
Classification: Likely pathogenic for Alpha-methylacetoacetic aciduria. Last evaluated: 2025-04-21. Review status: criteria provided, single submitter. Criteria: Natera Variant Classification Schema (03/2026). Collection method: clinical testing. Allele origin: germline.
Comment: The c.968T>C variant in ACAT1 is a missense variant predicted to cause substitution of isoleucine to threonine at amino acid 323. This variant is rare in the general population with a frequency below the threshold expected for the associated phenotype(s). This variant has been observed in one or more individuals affected with the associated recessive disease, as either homozygous or compound heterozygous with a second variant (PMID: 27928777). Functional studies show that this variant may disrupt protein function (PMID: 27928777). Computational prediction algorithms indicate this variant is likely to affect gene or protein function. Given the available evidence, this variant is classified as Likely Pathogenic.

Women's Health and Genetics/Laboratory Corporation of America, LabCorp
Classification: Uncertain significance. Last evaluated: 2022-10-08. Review status: criteria provided, single submitter. Criteria: LabCorp Variant Classification Summary - May 2015. Collection method: clinical testing. Allele origin: germline.
Comment: Variant summary: ACAT1 c.968T>C (p.Ile323Thr) results in a non-conservative amino acid change located in the Thiolase, C-terminal domain (IPR020617) of the encoded protein sequence. Four of five in-silico tools predict a damaging effect of the variant on protein function. The variant allele was found at a frequency of 2e-05 in 251372 control chromosomes. c.968T>C has been reported in the literature as a presumed compound heterozygous genotype in at-least one individual affected with beta-ketothiolase deficiency (Alpha-Methylacetoacetic Aciduria) (example, Abdelkreem_2017). These data do not allow any conclusion about variant significance. At least one publication reports experimental evidence evaluating an impact on protein function. The most pronounced variant effect results in 20-25% of normal activity in a tempreature sensitive manner when analyzed in a transient expression system in-vitro (Abdelkreem_2017). One clinical diagnostic laboratory has submitted clinical-significance assessments for this variant to ClinVar after 2014 and classified the variant as likely pathogenic. Based on the evidence outlined above, the variant was classified as VUS-possibly pathogenic.

Department of Pediatrics, Gifu University
Classification: Likely pathogenic for Deficiency of acetyl-CoA acetyltransferase. Last evaluated: 2019-05-05. Review status: criteria provided, single submitter. Criteria: ACMG Guidelines, 2015. Collection method: research. Allele origin: germline. Affected: yes. Observed: 1 variant allele.

Literature cited by the submitters: PubMed 27928777 (cited by 3 submitters); PubMed 31268215 (cited by Women's Health and Genetics/Laboratory Corporation of America, LabCorp and Department of Pediatrics, Gifu University).